The following is an entry in ClinVar:

ClinVar aggregate classification (germline): Likely benign. Review status: criteria provided, multiple submitters, no conflicts (2 of 4 stars). 3 submissions from 3 submitters: Likely benign (2). 1 of the submissions does not count toward it. Last evaluated 2025-12-20.

Conditions:
CSF1R-related disorder. Also called: CSF1R-related condition. Identifiers: MedGen CN379780, MONDO:0100632.

Allele frequency attached by ClinVar (database versions not stated): gnomAD exomes 0.00003 and 0.00005; ExAC 0.00004; ESP Exome Variant Server 0.00008; gnomAD 0.00015 and 0.00016; TOPMed 0.00018.
gnomAD v4.1: 71 of 1,614,100 alleles (0.0044%); highest among the groups gnomAD compares: African/African-American, 0.052%; no homozygotes.

Submissions (3):

Labcorp Genetics (formerly Invitae), Labcorp
Classification: Likely benign. Last evaluated: 2025-12-20. Review status: criteria provided, single submitter. Criteria: Invitae Variant Classification Sherloc (09022015). Collection method: clinical testing. Allele origin: germline.

Blueprint Genetics
Classification: Likely benign. Last evaluated: 2023-05-19. Review status: criteria provided, single submitter. Criteria: ACMG Guidelines, 2015. Collection method: clinical testing. Allele origin: germline.

PreventionGenetics, part of Exact Sciences
Classification: Likely benign for CSF1R-related condition. Last evaluated: 2024-06-25. Review status: no assertion criteria provided. Collection method: clinical testing. Allele origin: germline. Not counted in ClinVar's aggregate classification.
Comment: This variant is classified as likely benign based on ACMG/AMP sequence variant interpretation guidelines (Richards et al. 2015 PMID: 25741868, with internal and published modifications).

NM_001288705.3(CSF1R):c.1692C>T (p.Ile564=)

Gene: CSF1R (colony stimulating factor 1 receptor; minus strand). Cytogenetic location: 5q32.
Variant type: single nucleotide variant.
Coding change: c.1692C>T on transcript NM_001288705.3 (MANE Select); coding-DNA position 1692, C replaced by T.
Protein change: p.Ile564=; no amino-acid change (isoleucine 564 retained).
Molecular consequence: synonymous variant. On other transcripts: non-coding transcript variant (2).
Genome position (GRCh38, 1-based): chr5:150,061,784, G>A on the plus strand (C>T on the coding strand, the complement: CSF1R is on the minus strand). VCF-style: chr5-150061784-G-A. GRCh37 (hg19) VCF-style: chr5-149441347-G-A.
Other names: c.1692C>T, p.Ile564= (NM_001349736.2, NM_001375320.1, NM_005211.4); c.1248C>T, p.Ile416= (NM_001375321.1); c.1692C>T (NM_005211.3).
Identifiers: ClinVar variation 1666356 (VCV001666356.10), dbSNP rs139830484, ClinGen allele CA3506738.